The following is an entry in ClinVar:

ClinVar aggregate classification (germline): Uncertain significance (1 of 4 stars; one submission).

Conditions:
Dilated cardiomyopathy 1KK (CMD1KK). Identifiers: Orphanet 154, Orphanet 75249, MedGen C3714995, MONDO:0014100, OMIM 615248.

Submission:

Labcorp Genetics (formerly Invitae), Labcorp
Classification: Uncertain significance for Dilated cardiomyopathy 1KK. Last evaluated: 2023-02-01. Review status: criteria provided, single submitter. Criteria: Invitae Variant Classification Sherloc (09022015). Collection method: clinical testing. Allele origin: germline.
Comment: This sequence change replaces leucine, which is neutral and non-polar, with valine, which is neutral and non-polar, at codon 1287 of the MYPN protein (p.Leu1287Val). This variant is not present in population databases (gnomAD no frequency). This variant has not been reported in the literature in individuals affected with MYPN-related conditions. Algorithms developed to predict the effect of missense changes on protein structure and function are either unavailable or do not agree on the potential impact of this missense change (SIFT: "Tolerated"; PolyPhen-2: "Probably Damaging"; Align-GVGD: "Class C0"). In summary, the available evidence is currently insufficient to determine the role of this variant in disease. Therefore, it has been classified as a Variant of Uncertain Significance.

NM_032578.4(MYPN):c.3859C>G (p.Leu1287Val)

Gene: MYPN (myopalladin; plus strand). Cytogenetic location: 10q21.3.
Variant type: single nucleotide variant.
Coding change: c.3859C>G on transcript NM_032578.4 (MANE Select); coding-DNA position 3859, C replaced by G.
Protein change: p.Leu1287Val; replaces leucine 1287 with valine.
Molecular consequence: missense variant. On other transcripts: non-coding transcript variant (2).
Genome position (GRCh38, 1-based): chr10:68,210,351, C>G. VCF-style: chr10-68210351-C-G. GRCh37 (hg19) VCF-style: chr10-69970108-C-G.
Other names: c.3859C>G, p.Leu1287Val (NM_001256267.2); c.2977C>G, p.Leu993Val (NM_001256268.2); short protein forms L993V, L1287V.
Identifiers: ClinVar variation 2817703 (VCV002817703.3), dbSNP rs2496049484, ClinGen allele CA376830036.